The following is an entry in ClinVar:

NM_006734.4(HIVEP2):c.1925G>A (p.Arg642Gln)

Gene: HIVEP2 (HIVEP zinc finger 2; minus strand). Cytogenetic location: 6q24.2.
Variant type: single nucleotide variant.
Coding change: c.1925G>A on transcript NM_006734.4 (MANE Select); coding-DNA position 1925, G replaced by A.
Protein change: p.Arg642Gln; replaces arginine 642 with glutamine.
Molecular consequence: missense variant.
Genome position (GRCh38, 1-based): chr6:142,772,814, C>T on the plus strand (G>A on the coding strand, the complement: HIVEP2 is on the minus strand). VCF-style: chr6-142772814-C-T. GRCh37 (hg19) VCF-style: chr6-143093951-C-T.
Other names: c.1925G>A (NM_006734.3); short protein forms R642Q.
Identifiers: ClinVar variation 2074366 (VCV002074366.7), dbSNP rs201987264, ClinGen allele CA4028511.
Genomic context (GRCh38, chr6:142,772,814, plus strand): 5'-GAAATGTCCCTGTAGTTTTGCTTTGGTGTTTCAGAGTCCTCCCACTTCTTATAGGGTTTC[C>T]GACAGACATCATAGTCATACCCAACCCTGTCCCCAGGAGACAATTTCTTTTCCTTCAGGG-3'
Protein context (NP_006725.3, residues 632-652): DRVGYDYDVC[Arg642Gln]KPYKKWEDSE

ClinVar aggregate classification (germline): Benign/Likely benign. Review status: criteria provided, multiple submitters, no conflicts (2 of 4 stars). 3 submissions from 3 submitters: Benign (1); Likely benign (1). 1 of the submissions does not count toward it. Last evaluated 2026-02-03.

Conditions:
HIVEP2-related disorder. Also called: HIVEP2-related condition.

Allele frequency attached by ClinVar (database versions not stated): gnomAD 0.00009; gnomAD exomes 0.00009; TOPMed 0.00015; ESP Exome Variant Server 0.00016; ExAC 0.00041.
gnomAD v4.1: 141 of 1,614,018 alleles (0.0087%); highest among the groups gnomAD compares: Admixed American, 0.11%; no homozygotes.

Submissions (3):

Women's Health and Genetics/Laboratory Corporation of America, LabCorp
Classification: Likely benign. Last evaluated: 2026-02-03. Review status: criteria provided, single submitter. Criteria: LabCorp Variant Classification Summary - May 2015. Collection method: clinical testing. Allele origin: germline.
Comment: Variant summary: HIVEP2 c.1925G>A (p.Arg642Gln) results in a conservative amino acid change in the encoded protein sequence. Algorithms developed to predict the effect of missense changes on protein structure and function all suggest that this variant is likely to be tolerated. The variant allele was found at a frequency of 0.00033 in 249510 control chromosomes, predominantly at a frequency of 0.0017 within the Latino subpopulation in the gnomAD database. The observed variant frequency within Latino control individuals in the gnomAD database exceeds the estimated maximal expected allele frequency for disease-causing variants in HIVEP2. To our knowledge, no occurrence of c.1925G>A in individuals affected with HIVEP2-related conditions and no experimental evidence demonstrating its impact on protein function have been reported. ClinVar contains an entry for this variant (Variation ID: 2074366). Based on the evidence outlined above, the variant was classified as likely benign.

Labcorp Genetics (formerly Invitae), Labcorp
Classification: Benign. Last evaluated: 2025-12-18. Review status: criteria provided, single submitter. Criteria: Invitae Variant Classification Sherloc (09022015). Collection method: clinical testing. Allele origin: germline.

PreventionGenetics, part of Exact Sciences
Classification: Likely benign for HIVEP2-related condition. Last evaluated: 2022-11-17. Review status: no assertion criteria provided. Collection method: clinical testing. Allele origin: germline. Not counted in ClinVar's aggregate classification.
Comment: This variant is classified as likely benign based on ACMG/AMP sequence variant interpretation guidelines (Richards et al. 2015 PMID: 25741868, with internal and published modifications).